The following is an entry in ClinVar:

NM_004446.3(EPRS1):c.901G>A (p.Ala301Thr)

Gene: EPRS1 (glutamyl-prolyl-tRNA synthetase 1; minus strand). Cytogenetic location: 1q41.
Variant type: single nucleotide variant.
Coding change: c.901G>A on transcript NM_004446.3 (MANE Select); coding-DNA position 901, G replaced by A.
Protein change: p.Ala301Thr; replaces alanine 301 with threonine.
Molecular consequence: missense variant.
Genome position (GRCh38, 1-based): chr1:220,024,306, C>T on the plus strand (G>A on the coding strand, the complement: EPRS1 is on the minus strand). VCF-style: chr1-220024306-C-T. GRCh37 (hg19) VCF-style: chr1-220197648-C-T.
Other names: c.901G>A (NM_004446.2); short protein forms A301T.
Identifiers: ClinVar variation 2417666 (VCV002417666.5), dbSNP rs778043236, ClinGen allele CA1400430.

ClinVar aggregate classification (germline): Uncertain significance. Review status: criteria provided, multiple submitters, no conflicts (2 of 4 stars). 2 submissions from 2 submitters: Uncertain significance (2). Last evaluated 2025-02-17.

Conditions:
Inborn genetic diseases. Identifiers: MedGen C0950123, MeSH D030342.

Allele frequency attached by ClinVar (database versions not stated): gnomAD 0.00001; gnomAD exomes 0.00001; ExAC 0.00003; TOPMed 0.00006.
gnomAD v4.1: 12 of 1,610,816 alleles (0.00074%); highest among the groups gnomAD compares: Middle Eastern, 0.016%; no homozygotes.

Submissions (2):

Labcorp Genetics (formerly Invitae), Labcorp
Classification: Uncertain significance. Last evaluated: 2025-02-17. Review status: criteria provided, single submitter. Criteria: Invitae Variant Classification Sherloc (09022015). Collection method: clinical testing. Allele origin: germline.
Comment: This sequence change replaces alanine, which is neutral and non-polar, with threonine, which is neutral and polar, at codon 301 of the EPRS protein (p.Ala301Thr). This variant is present in population databases (rs778043236, gnomAD 0.02%). This variant has not been reported in the literature in individuals affected with EPRS-related conditions. ClinVar contains an entry for this variant (Variation ID: 2417666). An algorithm developed to predict the effect of missense changes on protein structure and function (PolyPhen-2) suggests that this variant is likely to be tolerated. In summary, the available evidence is currently insufficient to determine the role of this variant in disease. Therefore, it has been classified as a Variant of Uncertain Significance.

Ambry Genetics
Classification: Uncertain significance for Inborn genetic diseases. Last evaluated: 2021-07-20. Review status: criteria provided, single submitter. Criteria: Ambry Variant Classification Scheme 2023. Collection method: clinical testing. Allele origin: germline.